The following is an entry in ClinVar:

NM_001854.4(COL11A1):c.1646C>T (p.Ser549Phe)

Gene: COL11A1 (collagen type XI alpha 1 chain; minus strand). Cytogenetic location: 1p21.1.
Variant type: single nucleotide variant.
Coding change: c.1646C>T on transcript NM_001854.4 (MANE Select); coding-DNA position 1646, C replaced by T.
Protein change: p.Ser549Phe; replaces serine 549 with phenylalanine.
Molecular consequence: missense variant. On other transcripts: non-coding transcript variant (1).
Genome position (GRCh38, 1-based): chr1:103,008,500, G>A on the plus strand (C>T on the coding strand, the complement: COL11A1 is on the minus strand). VCF-style: chr1-103008500-G-A. GRCh37 (hg19) VCF-style: chr1-103474056-G-A.
Other names: c.1298C>T, p.Ser433Phe (NM_001168249.1, NM_080630.4); c.1529C>T, p.Ser510Phe (NM_001190709.2); c.1682C>T, p.Ser561Phe (NM_080629.3); short protein forms S561F, S433F, S510F, S549F.
Identifiers: ClinVar variation 2047214 (VCV002047214.4), dbSNP rs2525433669, ClinGen allele CA341175559.

ClinVar aggregate classification (germline): Uncertain significance (1 of 4 stars; one submission).

Submission:

Labcorp Genetics (formerly Invitae), Labcorp
Classification: Uncertain significance. Last evaluated: 2024-10-12. Review status: criteria provided, single submitter. Criteria: Invitae Variant Classification Sherloc (09022015). Collection method: clinical testing. Allele origin: germline.
Comment: This sequence change replaces serine, which is neutral and polar, with phenylalanine, which is neutral and non-polar, at codon 549 of the COL11A1 protein (p.Ser549Phe). This variant is not present in population databases (gnomAD no frequency). This variant has not been reported in the literature in individuals affected with COL11A1-related conditions. ClinVar contains an entry for this variant (Variation ID: 2047214). Invitae Evidence Modeling of protein sequence and biophysical properties (such as structural, functional, and spatial information, amino acid conservation, physicochemical variation, residue mobility, and thermodynamic stability) indicates that this missense variant is not expected to disrupt COL11A1 protein function with a negative predictive value of 80%. In summary, the available evidence is currently insufficient to determine the role of this variant in disease. Therefore, it has been classified as a Variant of Uncertain Significance.